The following is an entry in ClinVar:

NM_000222.3(KIT):c.2712G>T (p.Lys904Asn)

Gene: KIT (KIT proto-oncogene, receptor tyrosine kinase; plus strand). Cytogenetic location: 4q12.
Variant type: single nucleotide variant.
Coding change: c.2712G>T on transcript NM_000222.3 (MANE Select); coding-DNA position 2712, G replaced by T.
Protein change: p.Lys904Asn; replaces lysine 904 with asparagine.
Molecular consequence: missense variant.
Genome position (GRCh38, 1-based): chr4:54,737,190, G>T. VCF-style: chr4-54737190-G-T. GRCh37 (hg19) VCF-style: chr4-55603356-G-T.
Other names: c.2700G>T, p.Lys900Asn (NM_001093772.2, NM_001385292.1); c.2715G>T, p.Lys905Asn (NM_001385284.1); c.2709G>T, p.Lys903Asn (NM_001385285.1); c.2697G>T, p.Lys899Asn (NM_001385286.1); c.2703G>T, p.Lys901Asn (NM_001385288.1); c.2712G>T, p.Lys904Asn (NM_001385290.1); short protein forms K904N, K900N, K899N, K901N, K903N, K905N.
Identifiers: ClinVar variation 458928 (VCV000458928.9), dbSNP rs1553893567, ClinGen allele CA356914240.
Genomic context (GRCh38, chr4:54,737,190, plus strand): 5'-GCTGAGGGCATTGAGGAGGGATAGTAAATGGCCCTTGTCTTGCAGGTATGACATAATGAA[G>T]ACTTGCTGGGATGCAGATCCCCTAAAAAGACCAACATTCAAGCAAATTGTTCAGCTAATT-3'
Protein context (NP_000213.1, residues 894-914): HAPAEMYDIM[Lys904Asn]TCWDADPLKR

ClinVar aggregate classification (germline): Uncertain significance (1 of 4 stars; one submission).

Conditions:
Gastrointestinal stromal tumor. Also called: Gastrointestinal stroma tumor; Gastrointestinal stromal tumor, somatic. Identifiers: Orphanet 44890, MedGen C0238198, MeSH D046152, MONDO:0011719, OMIM 606764, HP:0100723.

Submission:

Labcorp Genetics (formerly Invitae), Labcorp
Classification: Uncertain significance for Gastrointestinal stromal tumor. Last evaluated: 2017-07-31. Review status: criteria provided, single submitter. Criteria: Invitae Variant Classification Sherloc (09022015). Collection method: clinical testing. Allele origin: germline.
Comment: In summary, the available evidence is currently insufficient to determine the role of this variant in disease. Therefore, it has been classified as a Variant of Uncertain Significance. Algorithms developed to predict the effect of missense changes on protein structure and function do not agree on the potential impact of this missense change (SIFT: "Deleterious"; PolyPhen-2: "Probably Damaging"; Align-GVGD: "Class C15"). This variant has not been reported in the literature in individuals with KIT-related disease. This variant is not present in population databases (ExAC no frequency). This sequence change replaces lysine with asparagine at codon 904 of the KIT protein (p.Lys904Asn). The lysine residue is highly conserved and there is a moderate physicochemical difference between lysine and asparagine.